The following is an entry in ClinVar:

NM_000278.5(PAX2):c.71G>C (p.Gly24Ala)

Gene: PAX2 (paired box 2; plus strand). Cytogenetic location: 10q24.31.
Variant type: single nucleotide variant.
Coding change: c.71G>C on transcript NM_000278.5 (MANE Select); coding-DNA position 71, G replaced by C.
Protein change: p.Gly24Ala; replaces glycine 24 with alanine.
Molecular consequence: missense variant.
Genome position (GRCh38, 1-based): chr10:100,749,773, G>C. VCF-style: chr10-100749773-G-C. GRCh37 (hg19) VCF-style: chr10-102509530-G-C.
Other names: c.164G>C, p.Gly55Ala (NM_001304569.2); c.71G>C, p.Gly24Ala (NM_003987.5, NM_003988.5, NM_003989.5 and 1 more transcripts); c.71G>C (NM_003990.4); short protein forms G24A, G55A.
Identifiers: ClinVar variation 1060180 (VCV001060180.9), dbSNP rs201239919, ClinGen allele CA378257468.

ClinVar aggregate classification (germline): Conflicting classifications of pathogenicity. Review status: criteria provided, conflicting classifications (1 of 4 stars). 3 submissions from 3 submitters: Likely pathogenic (2); Uncertain significance (1). Last evaluated 2026-01-13.

Conditions:
PAX2-Related Disorder. Also called: PAX2-related disorders. Identifiers: MedGen CN381309.
Renal coloboma syndrome (PAPRS). Also called: PAPILLORENAL SYNDROME; OPTIC COLOBOMA, VESICOURETERAL REFLUX, AND RENAL ANOMALIES; OPTIC NERVE COLOBOMA WITH RENAL DISEASE; RENAL-COLOBOMA SYNDROME WITH MACULAR ABNORMALITIES; CONGENITAL ANOMALIES OF THE KIDNEY AND URINARY TRACT WITH OR WITHOUT OCULAR ABNORMALITIES; CAKUT WITH OR WITHOUT OCULAR ABNORMALITIES. Identifiers: Orphanet 1475, MedGen C1852759, MONDO:0007352, OMIM 120330.
Focal segmental glomerulosclerosis 7 (FSGS7). Identifiers: Orphanet 656, MedGen C4014925, MONDO:0014451, OMIM 616002.

Submissions (3):

3billion
Classification: Likely pathogenic for PAX2-related disorder. Last evaluated: 2026-01-13. Review status: criteria provided, single submitter. Criteria: ACMG Guidelines, 2015. Collection method: clinical testing. Allele origin: germline. Affected: yes.
Comment: The variant is not observed in the gnomAD v4.1.0 dataset. Predicted Consequence/Location: The variant is located in a mutational hot spot and/or well-established functional domain in which established pathogenic variants have been reported (PMID: 22213154). In silico tool predictions suggest damaging effect of the variant on gene or gene product [REVEL: 0.89 (>=0.6, sensitivity 0.68 and specificity 0.92); 3Cnet: 0.99 (> 0.75, sensitivity 0.96 and precision 0.92)]. The same nucleotide change resulting in the same amino acid change has been previously reported to be associated with PAX2-related disorder (ClinVar ID: VCV001060180 /PMID: 31937884).Different missense changes at the same codon (p.Gly24Arg, p.Gly24Glu, p.Gly24Trp, p.Gly24Val) have been reported as pathogenic/likely pathogenic with strong evidence (ClinVar ID: VCV000836075, VCV000974525, VCV001479027, VCV002606086, VCV002953821 /PMID: 21380624, 29801666, 30348286, 30773290, 38322629). Therefore, this variant is classified as Likely pathogenic according to the recommendation of ACMG/AMP guideline.

PreventionGenetics, part of Exact Sciences
Classification: Likely pathogenic for PAX2-related condition. Last evaluated: 2023-09-21. Review status: criteria provided, single submitter. Criteria: ACMG Guidelines, 2015. Collection method: clinical testing. Allele origin: germline.
Comment: The PAX2 c.71G>C variant is predicted to result in the amino acid substitution p.Gly24Ala. This variant has not been reported in a large population database, indicating this variant is rare. This variant has been reported in an individual with severe proteinuria (Nagano et al. 2020. PubMed ID: 31937884). In the transcription factor PAX2, the p.Gly24 residue resides on the paired box domain encoded by the most conserved exons 2 to 4; and this region is regarded as a mutational hotspot of the gene (Negrisolo and Benetti 2023. PubMed ID: 36835576). Various substitutions at codons 23-25, including five different substitutions at codon 24, have been widely reported in patients with PAX2-related disorders (Human Gene Mutation Database - HGMD; see missense variants for example at codon 24: p.Gly24Arg in Connaughton et al. 2019. PubMed ID: 30773290; p.Gly24Trp in Bullich et al. 2018. PubMed ID: 29801666, supplementary table 1; p.Gly24Glu in Thomas et al. 2011. PubMed ID: 21380624; p.Gly24Val in Gribouval et al. 2018. PubMed ID: 30348286). Taken together, we interpret the p.Gly24Ala variant found in this patient as likely pathogenic.

Labcorp Genetics (formerly Invitae), Labcorp
Classification: Uncertain significance for Renal coloboma syndrome; Focal segmental glomerulosclerosis 7. Last evaluated: 2020-03-20. Review status: criteria provided, single submitter. Criteria: Invitae Variant Classification Sherloc (09022015). Collection method: clinical testing. Allele origin: germline.
Comment: In summary, the available evidence is currently insufficient to determine the role of this variant in disease. Therefore, it has been classified as a Variant of Uncertain Significance. Experimental studies and prediction algorithms are not available or were not evaluated, and the functional significance of this variant is currently unknown. This variant has not been reported in the literature in individuals with PAX2-related conditions. This variant is not present in population databases (ExAC no frequency). This sequence change replaces glycine with alanine at codon 24 of the PAX2 protein (p.Gly24Ala). The glycine residue is highly conserved and there is a small physicochemical difference between glycine and alanine.

Literature cited by the submitters: PubMed 21380624 (cited by 3billion); PubMed 31937884 (cited by 3billion).